The following is an entry in ClinVar:

NC_000023.10:g.(?_31140036)_(31191741_?)dup

Gene: DMD (dystrophin; minus strand). Cytogenetic location: Xp21.2.
Variant type: Duplication.
Identifiers: ClinVar variation 3243371 (VCV003243371.1).

ClinVar aggregate classification (germline): Uncertain significance (1 of 4 stars; one submission).

Conditions:
Duchenne muscular dystrophy (DMD). Also called: MUSCULAR DYSTROPHY, PSEUDOHYPERTROPHIC PROGRESSIVE, DUCHENNE TYPE; Duchenne Muscular Dystrophy (DMD). Identifiers: Orphanet 98896, MedGen C0013264, MONDO:0010679, OMIM 310200.

Submission:

Labcorp Genetics (formerly Invitae), Labcorp
Classification: Uncertain significance for Duchenne muscular dystrophy. Last evaluated: 2023-05-19. Review status: criteria provided, single submitter. Criteria: Invitae Variant Classification Sherloc (09022015). Collection method: clinical testing. Allele origin: unknown.
Comment: In summary, the available evidence is currently insufficient to determine the role of this variant in disease. Therefore, it has been classified as a Variant of Uncertain Significance. This variant has not been reported in the literature in individuals affected with DMD-related conditions. This variant results in a copy number gain of the genomic region encompassing exon(s) 72-79 of the DMD gene. This region includes the termination codon of the gene. This copy number gain extends beyond the assayed region for this gene and therefore may encompass additional genes. As the precise location of this event is unknown, it may be in tandem or it may be located elsewhere in the genome.